The following is an entry in ClinVar:

ClinVar aggregate classification (germline): Conflicting classifications of pathogenicity. Review status: criteria provided, conflicting classifications (1 of 4 stars). 7 submissions from 7 submitters: Uncertain significance (1); Benign (1); Likely benign (4). 1 of the submissions does not count toward it. Last evaluated 2026-05-29.

Conditions:
SMPD1-related disorder. Also called: SMPD1-related condition.
Inborn genetic diseases. Identifiers: MedGen C0950123, MeSH D030342.
Niemann-Pick disease, type A. Also called: SPHINGOMYELIN LIPIDOSIS; SPHINGOMYELINASE DEFICIENCY; Infantile Neurovisceral ASMD (Niemann-Pick Disease Type A; NPD-A). Identifiers: Orphanet 77292, MedGen C0268242, MONDO:0009756, OMIM 257200. Disease mechanism: loss of function.
Niemann-Pick disease, type B. Also called: Chronic Visceral ASMD (Niemann-Pick Disease Type B; NPD-B). Identifiers: Orphanet 77293, MedGen C0268243, MONDO:0011871, OMIM 607616. Disease mechanism: loss of function.

Allele frequency attached by ClinVar (database versions not stated): 1000 Genomes Project 0.00020; gnomAD 0.00002 and 0.00006; TOPMed 0.00003; gnomAD exomes 0.00010 and 0.00016; 1000 Genomes Project 30x 0.00016; ExAC 0.00017.

Submissions (7):

PreventionGenetics, part of Exact Sciences
Classification: Likely benign for SMPD1-related condition. Last evaluated: 2026-05-29. Review status: criteria provided, single submitter. Criteria: ACMG Guidelines, 2015. Collection method: clinical testing. Allele origin: germline.
Comment: This variant is classified as likely benign based on ACMG/AMP sequence variant interpretation guidelines (Richards et al. 2015 PMID: 25741868, with internal and published modifications).

Labcorp Genetics (formerly Invitae), Labcorp
Classification: Benign for Niemann-Pick disease, type B; Niemann-Pick disease, type A. Last evaluated: 2026-02-02. Review status: criteria provided, single submitter. Criteria: Invitae Variant Classification Sherloc (09022015). Collection method: clinical testing. Allele origin: germline.

Blueprint Genetics
Classification: Likely benign. Last evaluated: 2024-11-11. Review status: criteria provided, single submitter. Criteria: ACMG Guidelines, 2015. Collection method: clinical testing. Allele origin: germline.

CeGaT Center for Human Genetics Tuebingen
Classification: Likely benign. Last evaluated: 2024-11-01. Review status: criteria provided, single submitter. Criteria: CeGaT Center For Human Genetics Tuebingen Variant Classification Criteria Version 2. Collection method: clinical testing. Allele origin: germline. Affected: yes. Observed: 1 variant allele.
Comment: SMPD1: BP4, BP7

Ambry Genetics
Classification: Likely benign for Inborn genetic diseases. Last evaluated: 2022-06-14. Review status: criteria provided, single submitter. Criteria: Ambry Variant Classification Scheme 2023. Collection method: clinical testing. Allele origin: germline.

Eurofins Ntd Llc (ga)
Classification: Uncertain significance. Last evaluated: 2017-07-25. Review status: criteria provided, single submitter. Criteria: EGL Classification Definitions 2015. Collection method: clinical testing. Allele origin: germline. Observed: 1 variant allele, 1 heterozygote.

Natera, Inc.
Classification: Likely benign for Niemann-Pick Disease, Types A/B. Last evaluated: 2018-09-29. Review status: no assertion criteria provided. Collection method: clinical testing. Allele origin: germline. Not counted in ClinVar's aggregate classification.

NM_000543.5(SMPD1):c.234C>T (p.Pro78=)

Gene: SMPD1 (sphingomyelin phosphodiesterase 1; plus strand). Cytogenetic location: 11p15.4.
Variant type: single nucleotide variant.
Coding change: c.234C>T on transcript NM_000543.5 (MANE Select); coding-DNA position 234, C replaced by T.
Protein change: p.Pro78=; no amino-acid change (proline 78 retained).
Molecular consequence: synonymous variant. On other transcripts: 5 prime UTR variant (1), non-coding transcript variant (2).
Genome position (GRCh38, 1-based): chr11:6,390,832, C>T. VCF-style: chr11-6390832-C-T. GRCh37 (hg19) VCF-style: chr11-6412062-C-T.
Other names: c.234C>T, p.Pro78= (NM_001007593.3, NM_001318087.2, NM_001365135.2); c.-728C>T (NM_001318088.2).
Identifiers: ClinVar variation 593432 (VCV000593432.33), dbSNP rs575601110, ClinGen allele CA5852530.